The following is an entry in ClinVar:

NM_001354712.2(THRB):c.700G>A (p.Ala234Thr)

Genes: THRB (thyroid hormone receptor beta; minus strand), LOC126806630 (CDK7 strongly-dependent group 2 enhancer GRCh37_chr3:24184437-24185636; plus strand). Cytogenetic location: 3p24.2.
Variant type: single nucleotide variant.
Coding change: c.700G>A on transcript NM_001354712.2 (MANE Select); coding-DNA position 700, G replaced by A.
Protein change: p.Ala234Thr; replaces alanine 234 with threonine.
Molecular consequence: missense variant.
Genome position (GRCh38, 1-based): chr3:24,143,539, C>T on the plus strand (G>A on the coding strand, the complement: THRB is on the minus strand). VCF-style: chr3-24143539-C-T. GRCh37 (hg19) VCF-style: chr3-24185030-C-T.
Other names: c.700G>A, p.Ala234Thr (NM_000461.5, NM_001128176.3, NM_001128177.2 and 6 more transcripts); c.607G>A, p.Ala203Thr (NM_001354714.2, NM_001354715.2); short protein forms A234T, A203T.
Identifiers: ClinVar variation 12554 (VCV000012554.12), dbSNP rs121918694, ClinGen allele CA122489.

ClinVar aggregate classification (germline): Pathogenic. Review status: criteria provided, multiple submitters, no conflicts (2 of 4 stars). 6 submissions from 6 submitters: Pathogenic (5). 1 of the submissions does not count toward it. Last evaluated 2026-06-29.

Conditions:
Hyperthyroidism. Identifiers: MedGen C0020550, MONDO:0004425, HP:0000836.
Thyroid hormone resistance syndrome. Identifiers: MedGen C2940786, MONDO:0001328.
THRB-related disorder. Also called: THRB-related condition.
Thyroid hormone resistance, generalized, autosomal dominant (GRTHD). Also called: HYPERTHYROXINEMIA, FAMILIAL EUTHYROID, SECONDARY TO PITUITARY AND PERIPHERAL RESISTANCE TO THYROID HORMONES. Identifiers: MedGen C2937288, MONDO:0008569, OMIM 188570.

Allele frequency attached by ClinVar (database versions not stated): gnomAD exomes below 0.00001.
gnomAD v4.1: 1 of 1,614,212 alleles (0.000062%); highest among the groups gnomAD compares: Non-Finnish European, 0.000085%; no homozygotes.

Submissions (6):

Cambridge Genomics Laboratory, East Genomic Laboratory Hub, NHS Genomic Medicine Service
Classification: Pathogenic for Hyperthyroidism. Last evaluated: 2026-06-29. Review status: criteria provided, single submitter. Criteria: ACGS Best Practice Guidelines for Variant Classification in Rare Disease 2020. Collection method: clinical testing. Allele origin: germline. Affected: yes.
Comment: PS3_Supporting,PS4_Moderate,PM1_Supporting,PM2,PP1_Moderate,PP3,PP4

Women's Health and Genetics/Laboratory Corporation of America, LabCorp
Classification: Pathogenic for Thyroid hormone resistance, generalized, autosomal dominant. Last evaluated: 2026-06-24. Review status: criteria provided, single submitter. Criteria: LabCorp Variant Classification Summary - May 2015. Collection method: clinical testing. Allele origin: germline.
Comment: Variant summary: THRB c.700G>A (p.Ala234Thr) results in a non-conservative amino acid change in the encoded protein sequence. Algorithms developed to predict the effect of missense changes on protein structure and function all suggest that this variant is likely to be disruptive. The variant was absent in 251008 control chromosomes (gnomAD). c.700G>A has been observed in multiple individuals affected with Thyroid Hormone Resistance, Generalized, Autosomal Dominant and this variant co-segregated with the disease (Behr_1992, Macchina_2014, Lai_2015, Dieu_2020). These data indicate that the variant is very likely to be associated with disease. Multiple publications report experimental evidence evaluating an impact on protein function and this variant affects THRB function (Behr_1992, Safer_1998, Macchina_2014). The following publications have been ascertained in the context of this evaluation (PMID: 1324420, 32635414, 26273722, 25040256, 9804773). ClinVar contains an entry for this variant (Variation ID: 12554). Based on the evidence outlined above, the variant was classified as pathogenic.

Blueprint Genetics
Classification: Pathogenic for THRB-related disorders. Last evaluated: 2021-08-03. Review status: criteria provided, single submitter. Criteria: ACMG Guidelines, 2015. Collection method: clinical testing. Allele origin: germline. Affected: yes. Observed: 2 variant alleles.

Quest Diagnostics Nichols Institute San Juan Capistrano
Classification: Pathogenic. Last evaluated: 2020-06-22. Review status: criteria provided, single submitter. Criteria: Quest Diagnostics criteria. Collection method: clinical testing. Allele origin: unknown.
Comment: In the published literature, the variant has been reported to segregate with disease in families affected with resistance to thyroid hormone, and functional studies indicate this variant results in a hormone binding defect (PMID: 9804773 (1998), 1324420 (1992), 25040256 (2014), 26273722 (2015)).

Genetic Services Laboratory, University of Chicago
Classification: Pathogenic for Thyroid hormone resistance. Last evaluated: 2017-06-16. Review status: criteria provided, single submitter. Criteria: ACMG Guidelines, 2015. Collection method: clinical testing. Allele origin: germline. Affected: yes.

OMIM
Classification: Pathogenic for THYROID HORMONE RESISTANCE, GENERALIZED, AUTOSOMAL DOMINANT. Last evaluated: 1994-05-01. Review status: no assertion criteria provided. Collection method: literature only. Allele origin: germline. Not counted in ClinVar's aggregate classification.

Literature cited by the submitters: PubMed 25040256 (cited by Women's Health and Genetics/Laboratory Corporation of America, LabCorp and Quest Diagnostics Nichols Institute San Juan Capistrano); PubMed 32635414 (cited by Women's Health and Genetics/Laboratory Corporation of America, LabCorp); PubMed 9804773 (cited by Women's Health and Genetics/Laboratory Corporation of America, LabCorp and Quest Diagnostics Nichols Institute San Juan Capistrano); PubMed 1324420 (cited by 3 submitters); PubMed 26273722 (cited by Women's Health and Genetics/Laboratory Corporation of America, LabCorp and Quest Diagnostics Nichols Institute San Juan Capistrano); PubMed 8013151 (cited by OMIM).